The following is an entry in ClinVar:

ClinVar aggregate classification (germline): Uncertain significance (1 of 4 stars; one submission).

Submission:

Labcorp Genetics (formerly Invitae), Labcorp
Classification: Uncertain significance. Last evaluated: 2023-07-07. Review status: criteria provided, single submitter. Criteria: Invitae Variant Classification Sherloc (09022015). Collection method: clinical testing. Allele origin: germline.
Comment: In summary, the available evidence is currently insufficient to determine the role of this variant in disease. Therefore, it has been classified as a Variant of Uncertain Significance. Advanced modeling of protein sequence and biophysical properties (such as structural, functional, and spatial information, amino acid conservation, physicochemical variation, residue mobility, and thermodynamic stability) performed at Invitae indicates that this missense variant is not expected to disrupt LRP2 protein function. ClinVar contains an entry for this variant (Variation ID: 2047387). This variant has not been reported in the literature in individuals affected with LRP2-related conditions. This variant is not present in population databases (gnomAD no frequency). This sequence change replaces alanine, which is neutral and non-polar, with serine, which is neutral and polar, at codon 4483 of the LRP2 protein (p.Ala4483Ser).

NM_004525.3(LRP2):c.13447G>T (p.Ala4483Ser)

Gene: LRP2 (LDL receptor related protein 2; minus strand). Cytogenetic location: 2q31.1.
Variant type: single nucleotide variant.
Coding change: c.13447G>T on transcript NM_004525.3 (MANE Select); coding-DNA position 13447, G replaced by T.
Protein change: p.Ala4483Ser; replaces alanine 4483 with serine.
Molecular consequence: missense variant.
Genome position (GRCh38, 1-based): chr2:169,138,648, C>A on the plus strand (G>T on the coding strand, the complement: LRP2 is on the minus strand). VCF-style: chr2-169138648-C-A. GRCh37 (hg19) VCF-style: chr2-169995158-C-A.
Other names: short protein forms A4483S.
Identifiers: ClinVar variation 2047387 (VCV002047387.4), dbSNP rs2545642428, ClinGen allele CA349155033.
Genomic context (GRCh38, chr2:169,138,648, plus strand): 5'-ACCTGTCAATAGCAGTCTCAGGTCCAAAACCAGACACTCCAATATCCATGTTAAGATCTG[C>A]CCCTGATCTGAAGGTCACCCCATTCCCATTTTCAGAGGGCTTGACGAGACTGCTTAAGCT-3'
Protein context (NP_004516.2, residues 4473-4493): NGNGVTFRSG[Ala4483Ser]DLNMDIGVSG